The following is an entry in ClinVar:

ClinVar aggregate classification (germline): Uncertain significance (1 of 4 stars; one submission).

gnomAD v4.1: 1 of 1,613,682 alleles (0.000062%); highest among the groups gnomAD compares: Admixed American, 0.0017%; no homozygotes.

Submission:

Women's Health and Genetics/Laboratory Corporation of America, LabCorp
Classification: Uncertain significance. Last evaluated: 2025-07-17. Review status: criteria provided, single submitter. Criteria: LabCorp Variant Classification Summary - May 2015. Collection method: clinical testing. Allele origin: germline.
Comment: Variant summary: TRPA1 c.3220A>T (p.Ile1074Phe) results in a non-conservative amino acid change in the encoded protein sequence. Algorithms developed to predict the effect of missense changes on protein structure and function are either unavailable or do not agree on the potential impact of this missense change. The variant was absent in 250890 control chromosomes (gnomAD). The available data on variant occurrences in the general population are insufficient to allow any conclusion about variant significance. To our knowledge, no occurrence of c.3220A>T in individuals affected with Familial episodic pain syndrome with predominantly upper body involvement and no experimental evidence demonstrating its impact on protein function have been reported. No submitters have cited clinical-significance assessments for this variant to ClinVar. Based on the evidence outlined above, the variant was classified as uncertain significance.

NM_007332.3(TRPA1):c.3220A>T (p.Ile1074Phe)

Genes: MSC-AS1 (MSC antisense RNA 1; plus strand), TRPA1 (transient receptor potential cation channel subfamily A member 1; minus strand). Cytogenetic location: 8q21.11.
Variant type: single nucleotide variant.
Coding change: c.3220A>T on transcript NM_007332.3 (MANE Select); coding-DNA position 3220, A replaced by T.
Protein change: p.Ile1074Phe; replaces isoleucine 1074 with phenylalanine.
Molecular consequence: missense variant.
Genome position (GRCh38, 1-based): chr8:72,023,046, T>A on the plus strand (A>T on the coding strand, the complement: TRPA1 is on the minus strand). VCF-style: chr8-72023046-T-A. GRCh37 (hg19) VCF-style: chr8-72935281-T-A.
Other names: short protein forms I1074F.
Identifiers: ClinVar variation 4525801 (VCV004525801.1).